The following is an entry in ClinVar:

ClinVar aggregate classification (germline): Uncertain significance (1 of 4 stars; one submission).

Submission:

Ambry Genetics
Classification: Uncertain significance. Last evaluated: 2025-08-25. Review status: criteria provided, single submitter. Criteria: Ambry Variant Classification Scheme 2023. Collection method: clinical testing. Allele origin: germline.
Comment: The p.I540N variant (also known as c.1619T>A), located in coding exon 1 of the TET2 gene, results from a T to A substitution at nucleotide position 1619. The isoleucine at codon 540 is replaced by asparagine, an amino acid with dissimilar properties. This amino acid position is conserved. In addition, this alteration is predicted to be tolerated by in silico analysis. Based on the available evidence, the clinical significance of this variant remains unclear.

NM_001127208.3(TET2):c.1619T>A (p.Ile540Asn)

Genes: TET2 (tet methylcytosine dioxygenase 2; plus strand), TET2-AS1 (TET2 antisense RNA 1; minus strand). Cytogenetic location: 4q24.
Variant type: single nucleotide variant.
Coding change: c.1619T>A on transcript NM_001127208.3 (MANE Select); coding-DNA position 1619, T replaced by A.
Protein change: p.Ile540Asn; replaces isoleucine 540 with asparagine.
Molecular consequence: missense variant.
Genome position (GRCh38, 1-based): chr4:105,235,561, T>A. VCF-style: chr4-105235561-T-A. GRCh37 (hg19) VCF-style: chr4-106156718-T-A.
Other names: c.1619T>A, p.Ile540Asn (NM_017628.4); short protein forms I540N.
Identifiers: ClinVar variation 4183037 (VCV004183037.1).